The following is an entry in ClinVar:

ClinVar aggregate classification (germline): Conflicting classifications of pathogenicity. Review status: criteria provided, conflicting classifications (1 of 4 stars). 3 submissions from 3 submitters: Uncertain significance (2); Likely benign (1). Last evaluated 2020-02-21.

Conditions:
Familial cancer of breast. Also called: hereditary breast carcinoma; Hereditary breast cancer; BREAST CANCER, FAMILIAL. Identifiers: Orphanet 227535, MedGen C0346153, MONDO:0016419, OMIM 114480. Disease mechanism: loss of function.
Hereditary cancer-predisposing syndrome. Also called: Tumor predisposition; Hereditary neoplastic syndrome; Neoplastic Syndromes, Hereditary; Hereditary Cancer Syndrome. Identifiers: Orphanet 140162, MedGen C0027672, MeSH D009386, MONDO:0015356.

Submissions (3):

Labcorp Genetics (formerly Invitae), Labcorp
Classification: Uncertain significance for Familial cancer of breast. Last evaluated: 2020-02-21. Review status: criteria provided, single submitter. Criteria: Invitae Variant Classification Sherloc (09022015). Collection method: clinical testing. Allele origin: germline.
Comment: This sequence change replaces cysteine with serine at codon 162 of the PALB2 protein (p.Cys162Ser). The cysteine residue is weakly conserved and there is a moderate physicochemical difference between cysteine and serine. This variant is not present in population databases (ExAC no frequency). In summary, the available evidence is currently insufficient to determine the role of this variant in disease. Therefore, it has been classified as a Variant of Uncertain Significance. Algorithms developed to predict the effect of missense changes on protein structure and function output the following: SIFT: "Tolerated"; PolyPhen-2: "Benign"; Align-GVGD: "Class C0". The serine amino acid residue is found in multiple mammalian species, suggesting that this missense change does not adversely affect protein function. These predictions have not been confirmed by published functional studies and their clinical significance is uncertain. This variant has not been reported in the literature in individuals with PALB2-related conditions.

Color Diagnostics, LLC DBA Color Health
Classification: Uncertain significance for Hereditary cancer-predisposing syndrome. Last evaluated: 2019-01-25. Review status: criteria provided, single submitter. Criteria: ACMG Guidelines, 2015. Collection method: clinical testing. Allele origin: germline.

Ambry Genetics
Classification: Likely benign for Hereditary cancer-predisposing syndrome. Last evaluated: 2018-11-01. Review status: criteria provided, single submitter. Criteria: Ambry Variant Classification Scheme 2023. Collection method: clinical testing. Allele origin: germline.

NM_024675.4(PALB2):c.485G>C (p.Cys162Ser)

Gene: PALB2 (partner and localizer of BRCA2; minus strand). Cytogenetic location: 16p12.2.
Variant type: single nucleotide variant.
Coding change: c.485G>C on transcript NM_024675.4 (MANE Select); coding-DNA position 485, G replaced by C.
Protein change: p.Cys162Ser; replaces cysteine 162 with serine.
Molecular consequence: missense variant.
Genome position (GRCh38, 1-based): chr16:23,636,061, C>G on the plus strand (G>C on the coding strand, the complement: PALB2 is on the minus strand). VCF-style: chr16-23636061-C-G. GRCh37 (hg19) VCF-style: chr16-23647382-C-G.
Other names: short protein forms C162S.
Identifiers: ClinVar variation 846942 (VCV000846942.15), dbSNP rs1555461779, ClinGen allele CA395137099.